The following is an entry in ClinVar:

NM_000218.3(KCNQ1):c.858C>T (p.Asp286=)

Gene: KCNQ1 (potassium voltage-gated channel subfamily Q member 1; plus strand). Cytogenetic location: 11p15.5.
Variant type: single nucleotide variant.
Coding change: c.858C>T on transcript NM_000218.3 (MANE Select); coding-DNA position 858, C replaced by T.
Protein change: p.Asp286=; no amino-acid change (aspartic acid 286 retained).
Molecular consequence: synonymous variant. On other transcripts: intron variant (1).
Genome position (GRCh38, 1-based): chr11:2,572,923, C>T. VCF-style: chr11-2572923-C-T. GRCh37 (hg19) VCF-style: chr11-2594153-C-T.
Other names: c.858C>T, p.Asp286= (NM_001406836.1); c.588C>T, p.Asp196= (NM_001406837.1); c.477C>T, p.Asp159= (NM_181798.2); c.478-10512C>T (NM_001406838.1).
Identifiers: ClinVar variation 456871 (VCV000456871.49), dbSNP rs760047145, ClinGen allele CA040965.

ClinVar aggregate classification (germline): Benign/Likely benign. Review status: criteria provided, multiple submitters, no conflicts (2 of 4 stars). 10 submissions from 10 submitters: Benign (1); Likely benign (7). 2 of the submissions do not count toward it. Last evaluated 2026-06-01.

Conditions:
Cardiac arrhythmia. Also called: Arrhythmia; Cardiac rhythm disease. Identifiers: MedGen C0003811, MONDO:0007263, HP:0011675.
Long QT syndrome (LQTS). Identifiers: MedGen C0023976, MeSH D008133, MONDO:0002442. Disease mechanism: loss of function. Inheritance: Various modes of inheritance.
Cardiovascular phenotype. Identifiers: MedGen CN230736.

Allele frequency attached by ClinVar (database versions not stated): gnomAD 0.00003; ExAC 0.00006; TOPMed 0.00006; gnomAD exomes 0.00010.
gnomAD v4.1: 87 of 1,613,706 alleles (0.0054%); highest among the groups gnomAD compares: Middle Eastern, 0.099%; no homozygotes.

Submissions (10):

CeGaT Center for Human Genetics Tuebingen
Classification: Likely benign. Last evaluated: 2026-06-01. Review status: criteria provided, single submitter. Criteria: CeGaT Center For Human Genetics Tuebingen Variant Classification Criteria Version 2. Collection method: clinical testing. Allele origin: germline. Affected: yes. Observed: 8 variant alleles.
Comment: KCNQ1: BP4, BP7

Labcorp Genetics (formerly Invitae), Labcorp
Classification: Likely benign for Long QT syndrome. Last evaluated: 2025-12-02. Review status: criteria provided, single submitter. Criteria: Invitae Variant Classification Sherloc (09022015). Collection method: clinical testing. Allele origin: germline.

Blueprint Genetics
Classification: Likely benign. Last evaluated: 2024-05-28. Review status: criteria provided, single submitter. Criteria: ACMG Guidelines, 2015. Collection method: clinical testing. Allele origin: germline.

All of Us Research Program, National Institutes of Health
Classification: Likely benign for Long QT syndrome. Last evaluated: 2024-02-05. Review status: criteria provided, single submitter. Criteria: ACMG Guidelines, 2015. Collection method: clinical testing. Allele origin: germline. Inheritance: Autosomal dominant inheritance. Observed: 18 variant alleles, 18 heterozygotes.
Comment: This study involves interpretation of variants in research participants for the purpose of population health screening. Participant phenotype was not available at the time of variant classification. Additional details can be found in publication PMID: 35346344, PMCID: PMC8962531

Women's Health and Genetics/Laboratory Corporation of America, LabCorp
Classification: Likely benign. Last evaluated: 2022-07-24. Review status: criteria provided, single submitter. Criteria: LabCorp Variant Classification Summary - May 2015. Collection method: clinical testing. Allele origin: germline.

Ambry Genetics
Classification: Likely benign for Cardiovascular phenotype. Last evaluated: 2019-11-04. Review status: criteria provided, single submitter. Criteria: Ambry Variant Classification Scheme 2023. Collection method: clinical testing. Allele origin: germline.

Color Diagnostics, LLC DBA Color Health
Classification: Likely benign for Arrhythmia. Last evaluated: 2018-11-08. Review status: criteria provided, single submitter. Criteria: ACMG Guidelines, 2015. Collection method: clinical testing. Allele origin: germline.

GeneDx
Classification: Benign. Last evaluated: 2015-03-03. Review status: criteria provided, single submitter. Criteria: GeneDx Variant Classification Process June 2021. Collection method: clinical testing. Allele origin: germline. Affected: yes.

Clinical Genetics, Academic Medical Center
Classification: Benign. Review status: no assertion criteria provided. Collection method: clinical testing. Allele origin: germline. Affected: yes. Study: VKGL Data-share Consensus. Not counted in ClinVar's aggregate classification.

Joint Genome Diagnostic Labs from Nijmegen and Maastricht, Radboudumc and MUMC+
Classification: Likely benign. Review status: no assertion criteria provided. Collection method: clinical testing. Allele origin: germline. Affected: yes. Study: VKGL Data-share Consensus. Not counted in ClinVar's aggregate classification.